The following is an entry in ClinVar:

ClinVar aggregate classification (germline): Uncertain significance (1 of 4 stars; one submission).

Conditions:
ACAN-related disorder. Also called: ACAN-related disorders; ACAN-related condition.

gnomAD v4.1: 44 of 1,609,588 alleles (0.0027%); highest among the groups gnomAD compares: Admixed American, 0.02%; no homozygotes.

Submission:

PreventionGenetics, part of Exact Sciences
Classification: Uncertain significance for ACAN-related condition. Last evaluated: 2025-07-25. Review status: criteria provided, single submitter. Criteria: ACMG Guidelines, 2015. Collection method: clinical testing. Allele origin: germline.
Comment: The ACAN c.6346G>A variant is predicted to result in the amino acid substitution p.Ala2116Thr. To our knowledge, this variant has not been reported in the literature. This variant is reported in 0.015% of alleles in individuals of Latino descent in gnomAD. At this time, the clinical significance of this variant is uncertain due to the absence of conclusive functional and genetic evidence.

NM_001369268.1(ACAN):c.6346G>A (p.Ala2116Thr)

Gene: ACAN (aggrecan; plus strand). Cytogenetic location: 15q26.1.
Variant type: single nucleotide variant.
Coding change: c.6346G>A on transcript NM_001369268.1 (MANE Select); coding-DNA position 6346, G replaced by A.
Protein change: p.Ala2116Thr; replaces alanine 2116 with threonine.
Molecular consequence: missense variant.
Genome position (GRCh38, 1-based): chr15:88,858,931, G>A. VCF-style: chr15-88858931-G-A. GRCh37 (hg19) VCF-style: chr15-89402162-G-A.
Other names: c.6346G>A, p.Ala2116Thr (NM_001135.4, NM_001411096.1, NM_001411097.1 and 1 more transcripts); short protein forms A2116T.
Identifiers: ClinVar variation 4979769 (VCV004979769.1).
Genomic context (GRCh38, chr15:88,858,931, plus strand): 5'-GTCCCAGAATCTAGCAGTGAGACGTCCGCCTATCCTGAAGCTGGGTTCGGGGCATCTGCC[G>A]CCCCTGAGGCCAGCAGAGAAGATTCTGGGTCCCCTGATCTGAGTGAAACCACCTCTGCAT-3'
Protein context (NP_001356197.1, residues 2106-2126): YPEAGFGASA[Ala2116Thr]PEASREDSGS